The following is an entry in ClinVar:

NM_001099274.3(TINF2):c.1304G>A (p.Gly435Asp)

Gene: TINF2 (TERF1 interacting nuclear factor 2; minus strand). Cytogenetic location: 14q12.
Variant type: single nucleotide variant.
Coding change: c.1304G>A on transcript NM_001099274.3 (MANE Select); coding-DNA position 1304, G replaced by A.
Protein change: p.Gly435Asp; replaces glycine 435 with aspartic acid.
Molecular consequence: missense variant. On other transcripts: 3 prime UTR variant (1).
Genome position (GRCh38, 1-based): chr14:24,239,849, C>T on the plus strand (G>A on the coding strand, the complement: TINF2 is on the minus strand). VCF-style: chr14-24239849-C-T. GRCh37 (hg19) VCF-style: chr14-24709055-C-T.
Other names: c.1199G>A, p.Gly400Asp (NM_001363668.2); c.*566G>A (NM_012461.3); short protein forms G435D, G400D.
Identifiers: ClinVar variation 2163017 (VCV002163017.4), dbSNP rs759420690, ClinGen allele CA7130414.

ClinVar aggregate classification (germline): Uncertain significance (1 of 4 stars; one submission).

Conditions:
Dyskeratosis congenita. Identifiers: Orphanet 1775, MedGen C0265965, MONDO:0015780.

Allele frequency attached by ClinVar (database versions not stated): gnomAD exomes below 0.00001; ExAC 0.00001; gnomAD 0.00001; TOPMed 0.00002.
gnomAD v4.1: 8 of 1,614,018 alleles (0.0005%); highest among the groups gnomAD compares: African/African-American, 0.0067%; no homozygotes.

Submission:

Labcorp Genetics (formerly Invitae), Labcorp
Classification: Uncertain significance for Dyskeratosis congenita. Last evaluated: 2025-08-27. Review status: criteria provided, single submitter. Criteria: Invitae Variant Classification Sherloc (09022015). Collection method: clinical testing. Allele origin: germline.
Comment: This sequence change replaces glycine, which is neutral and non-polar, with aspartic acid, which is acidic and polar, at codon 435 of the TINF2 protein (p.Gly435Asp). This variant is present in population databases (rs759420690, gnomAD 0.01%). This variant has not been reported in the literature in individuals affected with TINF2-related conditions. ClinVar contains an entry for this variant (Variation ID: 2163017). An algorithm developed to predict the effect of missense changes on protein structure and function (PolyPhen-2) suggests that this variant is likely to be tolerated. In summary, the available evidence is currently insufficient to determine the role of this variant in disease. Therefore, it has been classified as a Variant of Uncertain Significance.